The following is an entry in ClinVar:

NM_017934.7(PHIP):c.5268T>G (p.Phe1756Leu)

Genes: IRAK1BP1 (interleukin 1 receptor associated kinase 1 binding protein 1; plus strand), PHIP (PHIP subunit of CUL4-Ring ligase complex; minus strand). Cytogenetic location: 6q14.1.
Variant type: single nucleotide variant.
Coding change: c.5268T>G on transcript NM_017934.7 (MANE Select); coding-DNA position 5268, T replaced by G.
Protein change: p.Phe1756Leu; replaces phenylalanine 1756 with leucine.
Molecular consequence: missense variant.
Genome position (GRCh38, 1-based): chr6:78,940,891, A>C on the plus strand (T>G on the coding strand, the complement: PHIP is on the minus strand). VCF-style: chr6-78940891-A-C. GRCh37 (hg19) VCF-style: chr6-79650608-A-C.
Other names: short protein forms F1756L.
Identifiers: ClinVar variation 2776234 (VCV002776234.3), dbSNP rs1367276733, ClinGen allele CA364632806.

ClinVar aggregate classification (germline): Uncertain significance (1 of 4 stars; one submission).

Allele frequency attached by ClinVar (database versions not stated): gnomAD exomes below 0.00001; TOPMed 0.00001.
gnomAD v4.1: 1 of 1,613,782 alleles (0.000062%); highest among the groups gnomAD compares: African/African-American, 0.0013%; no homozygotes.

Submission:

Labcorp Genetics (formerly Invitae), Labcorp
Classification: Uncertain significance. Last evaluated: 2023-08-10. Review status: criteria provided, single submitter. Criteria: Invitae Variant Classification Sherloc (09022015). Collection method: clinical testing. Allele origin: germline.
Comment: In summary, the available evidence is currently insufficient to determine the role of this variant in disease. Therefore, it has been classified as a Variant of Uncertain Significance. Advanced modeling of protein sequence and biophysical properties (such as structural, functional, and spatial information, amino acid conservation, physicochemical variation, residue mobility, and thermodynamic stability) performed at Invitae indicates that this missense variant is not expected to disrupt PHIP protein function. This variant has not been reported in the literature in individuals affected with PHIP-related conditions. This variant is not present in population databases (gnomAD no frequency). This sequence change replaces phenylalanine, which is neutral and non-polar, with leucine, which is neutral and non-polar, at codon 1756 of the PHIP protein (p.Phe1756Leu).